The following is an entry in ClinVar:

NM_001182.5(ALDH7A1):c.807_808del (p.Leu270fs)

Gene: ALDH7A1 (aldehyde dehydrogenase 7 family member A1; minus strand). Cytogenetic location: 5q23.2.
Variant type: Deletion.
Coding change: c.807_808del on transcript NM_001182.5 (MANE Select); coding-DNA positions 807 to 808, 2 bases deleted (GC; older notation c.807_808delGC).
Protein change: p.Leu270fs; shifts the reading frame from leucine 270.
Molecular consequence: frameshift variant.
Genome position (GRCh38, 1-based): chr5:126,568,322-126,568,323, GC deleted on the plus strand (GC on the coding strand, the reverse complement: ALDH7A1 is on the minus strand). VCF-style (leftmost placement, unchanged base first): chr5-126568321-AGC-A. GRCh37 (hg19) VCF-style: chr5-125904013-AGC-A.
Other names: c.723_724del, p.Leu242fs (NM_001201377.2); c.807_808del, p.Leu270fs (NM_001202404.2); short protein forms L242fs, L270fs.
Identifiers: ClinVar variation 4805670 (VCV004805670.1).

ClinVar aggregate classification (germline): Pathogenic (1 of 4 stars; one submission).

Conditions:
Pyridoxine-dependent epilepsy (EPEO4). Also called: Pyridoxine-Dependent Seizures; EPILEPSY, EARLY-ONSET, 4, VITAMIN B6-DEPENDENT; PYRIDOXINE DEPENDENCY WITH SEIZURES; Pyridoxine-Dependent Epilepsy - ALDH7A1. Identifiers: Orphanet 3006, MedGen C1849508, MONDO:0009945, OMIM 266100. Disease mechanism: loss of function.

Submission:

Labcorp Genetics (formerly Invitae), Labcorp
Classification: Pathogenic for Pyridoxine-dependent epilepsy. Last evaluated: 2026-01-11. Review status: criteria provided, single submitter. Criteria: Invitae Variant Classification Sherloc (09022015). Collection method: clinical testing. Allele origin: germline.
Comment: This sequence change creates a premature translational stop signal (p.Leu270Valfs*37) in the ALDH7A1 gene. It is expected to result in an absent or disrupted protein product. Loss-of-function variants in ALDH7A1 are known to be pathogenic (PMID: 16491085, 20554659). This variant is not present in population databases (gnomAD no frequency). This variant has not been reported in the literature in individuals affected with ALDH7A1-related conditions. For these reasons, this variant has been classified as Pathogenic.

Literature cited by the submitters: PubMed 16491085; PubMed 20554659.